The following is an entry in ClinVar:

NM_000051.4(ATM):c.1490del (p.Ser497fs)

Gene: ATM (ATM serine/threonine kinase; plus strand). Cytogenetic location: 11q22.3.
Variant type: Deletion.
Coding change: c.1490del on transcript NM_000051.4 (MANE Select); coding-DNA position 1490, one base deleted (C; older notation c.1490delC).
Protein change: p.Ser497fs; shifts the reading frame from serine 497.
Molecular consequence: frameshift variant.
Genome position (GRCh38, 1-based): chr11:108,250,955, C deleted. VCF-style (leftmost placement, unchanged base first): chr11-108250954-TC-T. GRCh37 (hg19) VCF-style: chr11-108121681-TC-T.
Other names: c.1490del, p.Ser497fs (NM_001351834.2); short protein forms S497fs.
Identifiers: ClinVar variation 3232101 (VCV003232101.1), dbSNP rs2497248883, ClinGen allele CA2825001783.
Genomic context (GRCh38, chr11:108,250,954, plus strand): 5'-AAGTCAGATTTATTAAAACTCTGGAATAAAATTTGGTGTATTACCTTTCGTGGTATAAGT[TC>T]TGAGCAAATACAAGCTGAAAACTTTGGCTTACTTGGAGCCATAATTCAGGGTAGTTTAGT-3'

ClinVar aggregate classification (germline): Pathogenic (1 of 4 stars; one submission).

Conditions:
Hereditary cancer-predisposing syndrome. Also called: Neoplastic Syndromes, Hereditary; Tumor predisposition; Hereditary neoplastic syndrome; Hereditary Cancer Syndrome. Identifiers: Orphanet 140162, MedGen C0027672, MeSH D009386, MONDO:0015356.

Submission:

Ambry Genetics
Classification: Pathogenic for Hereditary cancer-predisposing syndrome. Last evaluated: 2024-03-05. Review status: criteria provided, single submitter. Criteria: Ambry Variant Classification Scheme 2023. Collection method: clinical testing. Allele origin: germline.
Comment: The c.1490delC variant, located in coding exon 9 of the ATM gene, results from a deletion of one nucleotide at nucleotide position 1490, causing a translational frameshift with a predicted alternate stop codon (p.S497Lfs*15). This variant is considered to be rare based on population cohorts in the Genome Aggregation Database (gnomAD). This alteration is expected to result in loss of function by premature protein truncation or nonsense-mediated mRNA decay. As such, this alteration is interpreted as a disease-causing mutation.